The following is an entry in ClinVar:

NM_032444.4(SLX4):c.4799A>G (p.Gln1600Arg)

Gene: SLX4 (SLX4 structure-specific endonuclease subunit; minus strand). Cytogenetic location: 16p13.3.
Variant type: single nucleotide variant.
Coding change: c.4799A>G on transcript NM_032444.4 (MANE Select); coding-DNA position 4799, A replaced by G.
Protein change: p.Gln1600Arg; replaces glutamine 1600 with arginine.
Molecular consequence: missense variant.
Genome position (GRCh38, 1-based): chr16:3,583,451, T>C on the plus strand (A>G on the coding strand, the complement: SLX4 is on the minus strand). VCF-style: chr16-3583451-T-C. GRCh37 (hg19) VCF-style: chr16-3633452-T-C.
Other names: short protein forms Q1600R.
Identifiers: ClinVar variation 1388543 (VCV001388543.6), dbSNP rs2151117076, ClinGen allele CA394515377.

ClinVar aggregate classification (germline): Uncertain significance (1 of 4 stars; one submission).

Conditions:
Fanconi anemia (FA). Also called: Fanconi's anemia. Identifiers: Orphanet 84, MedGen C0015625, MeSH D005199, MONDO:0019391.

gnomAD v4.1: 2 of 1,614,154 alleles (0.00012%); highest among the groups gnomAD compares: African/African-American, 0.0027%; no homozygotes.

Submission:

Labcorp Genetics (formerly Invitae), Labcorp
Classification: Uncertain significance for Fanconi anemia. Last evaluated: 2024-12-16. Review status: criteria provided, single submitter. Criteria: Invitae Variant Classification Sherloc (09022015). Collection method: clinical testing. Allele origin: germline.
Comment: This sequence change replaces glutamine, which is neutral and polar, with arginine, which is basic and polar, at codon 1600 of the SLX4 protein (p.Gln1600Arg). This variant is not present in population databases (gnomAD no frequency). This variant has not been reported in the literature in individuals affected with SLX4-related conditions. ClinVar contains an entry for this variant (Variation ID: 1388543). An algorithm developed to predict the effect of missense changes on protein structure and function (PolyPhen-2) suggests that this variant is likely to be tolerated. In summary, the available evidence is currently insufficient to determine the role of this variant in disease. Therefore, it has been classified as a Variant of Uncertain Significance.